The following is an entry in ClinVar:

ClinVar aggregate classification (germline): Uncertain significance (1 of 4 stars; one submission).

Conditions:
Hereditary cancer-predisposing syndrome. Also called: Neoplastic Syndromes, Hereditary; Tumor predisposition; Hereditary Cancer Syndrome; Hereditary neoplastic syndrome. Identifiers: Orphanet 140162, MedGen C0027672, MeSH D009386, MONDO:0015356.

Submission:

Labcorp Genetics (formerly Invitae), Labcorp
Classification: Uncertain significance for Hereditary cancer-predisposing syndrome. Last evaluated: 2023-08-06. Review status: criteria provided, single submitter. Criteria: Invitae Variant Classification Sherloc (09022015). Collection method: clinical testing. Allele origin: germline.
Comment: This sequence change falls in intron 17 of the RAD50 gene. It does not directly change the encoded amino acid sequence of the RAD50 protein. It affects a nucleotide within the consensus splice site. This variant is not present in population databases (gnomAD no frequency). This variant has not been reported in the literature in individuals affected with RAD50-related conditions. Variants that disrupt the consensus splice site are a relatively common cause of aberrant splicing (PMID: 17576681, 9536098). Algorithms developed to predict the effect of sequence changes on RNA splicing suggest that this variant is not likely to affect RNA splicing. In summary, the available evidence is currently insufficient to determine the role of this variant in disease. Therefore, it has been classified as a Variant of Uncertain Significance.

Literature cited by the submitters: PubMed 17576681; PubMed 9536098.

NM_005732.4(RAD50):c.2830-3C>T

Gene: RAD50 (RAD50 double strand break repair protein; plus strand). Cytogenetic location: 5q31.1.
Variant type: single nucleotide variant.
Coding change: c.2830-3C>T on transcript NM_005732.4 (MANE Select); 3 bases into the intron before coding-DNA position 2830, C replaced by T.
Molecular consequence: intron variant.
Genome position (GRCh38, 1-based): chr5:132,609,114, C>T. VCF-style: chr5-132609114-C-T. GRCh37 (hg19) VCF-style: chr5-131944806-C-T.
Identifiers: ClinVar variation 2712883 (VCV002712883.3), dbSNP rs2479370898, ClinGen allele CA2675218890.